The following is an entry in ClinVar:

ClinVar aggregate classification (germline): Pathogenic. Review status: criteria provided, multiple submitters, no conflicts (2 of 4 stars). 2 submissions from 2 submitters: Pathogenic (2). Last evaluated 2025-12-11.

Conditions:
Bartter disease type 1. Also called: HYPERPROSTAGLANDIN E SYNDROME 1; Bartter syndrome, type 1, antenatal; Bartter Syndrome type 1; HYPOKALEMIC ALKALOSIS WITH HYPERCALCIURIA 1, ANTENATAL. Identifiers: Orphanet 112, Orphanet 620217, MedGen C1866495, MONDO:0100344, OMIM 601678, MONDO:0011127.

Submissions (2):

Medical Genetics Center, Maternal and Child Health Hospital of Hubei Province
Classification: Pathogenic for Bartter disease type 1. Last evaluated: 2025-12-11. Review status: criteria provided, single submitter. Criteria: ACMG Guidelines, 2015. Collection method: clinical testing. Allele origin: paternal. Affected: yes.
Comment: PVS1+PM3+PM2_Supporting

Labcorp Genetics (formerly Invitae), Labcorp
Classification: Pathogenic. Last evaluated: 2023-05-02. Review status: criteria provided, single submitter. Criteria: Invitae Variant Classification Sherloc (09022015). Collection method: clinical testing. Allele origin: germline.
Comment: For these reasons, this variant has been classified as Pathogenic. This premature translational stop signal has been observed in individual(s) with clinical features of Bartter syndrome (PMID: 29254190, 30790175). This variant is not present in population databases (gnomAD no frequency). This sequence change creates a premature translational stop signal (p.Gly493Alafs*53) in the SLC12A1 gene. It is expected to result in an absent or disrupted protein product. Loss-of-function variants in SLC12A1 are known to be pathogenic (PMID: 8640224, 9585600, 19096086).

Literature cited by the submitters: PubMed 29254190 (cited by Medical Genetics Center, Maternal and Child Health Hospital of Hubei Province and Labcorp Genetics (formerly Invitae), Labcorp); PubMed 30790175 (cited by Medical Genetics Center, Maternal and Child Health Hospital of Hubei Province and Labcorp Genetics (formerly Invitae), Labcorp); PubMed 8640224 (cited by Labcorp Genetics (formerly Invitae), Labcorp); PubMed 9585600 (cited by Labcorp Genetics (formerly Invitae), Labcorp); PubMed 19096086 (cited by Labcorp Genetics (formerly Invitae), Labcorp).

NM_000338.3(SLC12A1):c.1478del (p.Gly493fs)

Gene: SLC12A1 (solute carrier family 12 member 1; plus strand). Cytogenetic location: 15q21.1.
Variant type: Deletion.
Coding change: c.1478del on transcript NM_000338.3 (MANE Select); coding-DNA position 1478, one base deleted (G; older notation c.1478delG).
Protein change: p.Gly493fs; shifts the reading frame from glycine 493.
Molecular consequence: frameshift variant.
Genome position (GRCh38, 1-based): chr15:48,246,934, G deleted; the last of 2 consecutive G bases (chr15:48,246,933-48,246,934); deleting either gives the same sequence. VCF-style (leftmost placement, unchanged base first): chr15-48246932-CG-C. GRCh37 (hg19) VCF-style: chr15-48539129-CG-C.
Other names: c.1478del, p.Gly493fs (NM_001184832.2, NM_001384136.1); short protein forms G493fs.
Identifiers: ClinVar variation 2910376 (VCV002910376.4), dbSNP rs2505085696, ClinGen allele CA2592718814.